The following is an entry in ClinVar:

ClinVar aggregate classification (germline): Uncertain significance (1 of 4 stars; one submission).

Conditions:
Neurodevelopmental disorder with or without hyperkinetic movements and seizures, autosomal dominant. Also called: Intellectual disability, autosomal dominant 8. Identifiers: MedGen C3280282, MONDO:0013655, OMIM 614254.

Submission:

Labcorp Genetics (formerly Invitae), Labcorp
Classification: Uncertain significance for Neurodevelopmental disorder with or without hyperkinetic movements and seizures, autosomal dominant. Last evaluated: 2025-06-08. Review status: criteria provided, single submitter. Criteria: Invitae Variant Classification Sherloc (09022015). Collection method: clinical testing. Allele origin: germline.
Comment: This sequence change replaces methionine, which is neutral and non-polar, with isoleucine, which is neutral and non-polar, at codon 501 of the GRIN1 protein (p.Met501Ile). This variant is not present in population databases (gnomAD no frequency). This variant has not been reported in the literature in individuals affected with GRIN1-related conditions. Invitae Evidence Modeling of protein sequence and biophysical properties (such as structural, functional, and spatial information, amino acid conservation, physicochemical variation, residue mobility, and thermodynamic stability) has been performed for this missense variant. However, the output from this modeling did not meet the statistical confidence thresholds required to predict the impact of this variant on GRIN1 protein function. In summary, the available evidence is currently insufficient to determine the role of this variant in disease. Therefore, it has been classified as a Variant of Uncertain Significance.

NM_007327.4(GRIN1):c.1503G>A (p.Met501Ile)

Gene: GRIN1 (glutamate ionotropic receptor NMDA type subunit 1; plus strand). Cytogenetic location: 9q34.3.
Variant type: single nucleotide variant.
Coding change: c.1503G>A on transcript NM_007327.4 (MANE Select); coding-DNA position 1503, G replaced by A.
Protein change: p.Met501Ile; replaces methionine 501 with isoleucine.
Molecular consequence: missense variant.
Genome position (GRCh38, 1-based): chr9:137,161,959, G>A. VCF-style: chr9-137161959-G-A. GRCh37 (hg19) VCF-style: chr9-140056411-G-A.
Other names: c.1503G>A, p.Met501Ile (NM_000832.7, NM_021569.4); c.1566G>A, p.Met522Ile (NM_001185090.2, NM_001185091.2, NM_001437330.1 and 1 more transcripts); short protein forms M501I, M522I.
Identifiers: ClinVar variation 4747304 (VCV004747304.1).